The following is an entry in ClinVar:

NM_020347.4(LZTFL1):c.143C>T (p.Thr48Ile)

Gene: LZTFL1 (leucine zipper transcription factor like 1; minus strand). Cytogenetic location: 3p21.31.
Variant type: single nucleotide variant.
Coding change: c.143C>T on transcript NM_020347.4 (MANE Select); coding-DNA position 143, C replaced by T.
Protein change: p.Thr48Ile; replaces threonine 48 with isoleucine.
Molecular consequence: missense variant. On other transcripts: non-coding transcript variant (1).
Genome position (GRCh38, 1-based): chr3:45,835,770, G>A on the plus strand (C>T on the coding strand, the complement: LZTFL1 is on the minus strand). VCF-style: chr3-45835770-G-A. GRCh37 (hg19) VCF-style: chr3-45877262-G-A.
Other names: c.92C>T, p.Thr31Ile (NM_001276378.2, NM_001386451.1); c.131C>T, p.Thr44Ile (NM_001276379.2); c.143C>T, p.Thr48Ile (NM_001386452.1); short protein forms T48I, T31I, T44I.
Identifiers: ClinVar variation 961289 (VCV000961289.6), dbSNP rs1700951905, ClinGen allele CA352454469.
Genomic context (GRCh38, chr3:45,835,770, plus strand): 5'-TCACTATGAACCACAGCTTGTAATCCATTGAGGACTTCAGAGACTTCATCTATGGTGAAG[G>A]TGTCCTCCACCAGCCTGAAAAACAACCATGATCCAAAACTTATAGAAAAACAACAAGAAA-3'
Protein context (NP_065080.1, residues 38-58): DLKESRLVED[Thr48Ile]FTIDEVSEVL

ClinVar aggregate classification (germline): Uncertain significance (1 of 4 stars; one submission).

Submission:

Labcorp Genetics (formerly Invitae), Labcorp
Classification: Uncertain significance. Last evaluated: 2024-02-23. Review status: criteria provided, single submitter. Criteria: Invitae Variant Classification Sherloc (09022015). Collection method: clinical testing. Allele origin: germline.
Comment: This sequence change replaces threonine, which is neutral and polar, with isoleucine, which is neutral and non-polar, at codon 48 of the LZTFL1 protein (p.Thr48Ile). This variant is not present in population databases (gnomAD no frequency). This variant has not been reported in the literature in individuals affected with LZTFL1-related conditions. ClinVar contains an entry for this variant (Variation ID: 961289). Advanced modeling of protein sequence and biophysical properties (such as structural, functional, and spatial information, amino acid conservation, physicochemical variation, residue mobility, and thermodynamic stability) performed at Invitae indicates that this missense variant is not expected to disrupt LZTFL1 protein function with a negative predictive value of 80%. In summary, the available evidence is currently insufficient to determine the role of this variant in disease. Therefore, it has been classified as a Variant of Uncertain Significance.